The following is an entry in ClinVar:

ClinVar aggregate classification (germline): Pathogenic (1 of 4 stars; one submission).

Conditions:
Long QT syndrome (LQTS). Identifiers: MedGen C0023976, MeSH D008133, MONDO:0002442. Disease mechanism: loss of function. Inheritance: Various modes of inheritance.

Submission:

Labcorp Genetics (formerly Invitae), Labcorp
Classification: Pathogenic for Long QT syndrome. Last evaluated: 2025-01-23. Review status: criteria provided, single submitter. Criteria: Invitae Variant Classification Sherloc (09022015). Collection method: clinical testing. Allele origin: germline.
Comment: This sequence change creates a premature translational stop signal (p.Leu86Cysfs*26) in the CAV3 gene. While this is not anticipated to result in nonsense mediated decay, it is expected to disrupt the last 66 amino acid(s) of the CAV3 protein. This variant is not present in population databases (gnomAD no frequency). This variant has not been reported in the literature in individuals affected with CAV3-related conditions. This variant disrupts a region of the CAV3 protein in which other variant(s) (p.Ala93Thr) have been determined to be pathogenic (PMID: 12666119, 15668980, 19697367, 27184587). This suggests that this is a clinically significant region of the protein, and that variants that disrupt it are likely to be disease-causing. For these reasons, this variant has been classified as Pathogenic.

Literature cited by the submitters: PubMed 12666119; PubMed 15668980; PubMed 19697367; PubMed 27184587.

NM_033337.3(CAV3):c.256del (p.Leu86fs)

Genes: CAV3 (caveolin 3; plus strand), OXTR (oxytocin receptor; minus strand). Cytogenetic location: 3p25.3.
Variant type: Deletion.
Coding change: c.256del on transcript NM_033337.3 (MANE Select); coding-DNA position 256, one base deleted (C; older notation c.256delC).
Protein change: p.Leu86fs; shifts the reading frame from leucine 86.
Molecular consequence: frameshift variant.
Genome position (GRCh38, 1-based): chr3:8,745,667, C deleted; the last of 3 consecutive C bases (chr3:8,745,665-8,745,667); deleting any one gives the same sequence. VCF-style (leftmost placement, unchanged base first): chr3-8745664-GC-G. GRCh37 (hg19) VCF-style: chr3-8787350-GC-G.
Other names: c.256del, p.Leu86fs (NM_001234.5); short protein forms L86fs.
Identifiers: ClinVar variation 3729445 (VCV003729445.2).